The following is an entry in ClinVar:

NM_000059.4(BRCA2):c.2966A>T (p.Tyr989Phe)

Gene: BRCA2 (BRCA2 DNA repair associated; plus strand). Cytogenetic location: 13q13.1.
Variant type: single nucleotide variant.
Coding change: c.2966A>T on transcript NM_000059.4 (MANE Select); coding-DNA position 2966, A replaced by T.
Protein change: p.Tyr989Phe; replaces tyrosine 989 with phenylalanine.
Molecular consequence: missense variant.
Genome position (GRCh38, 1-based): chr13:32,337,321, A>T. VCF-style: chr13-32337321-A-T. GRCh37 (hg19) VCF-style: chr13-32911458-A-T.
Other names: short protein forms Y989F.
Identifiers: ClinVar variation 966766 (VCV000966766.12), dbSNP rs2072469321, ClinGen allele CA387774500.

ClinVar aggregate classification (germline): Conflicting classifications of pathogenicity. Review status: criteria provided, conflicting classifications (1 of 4 stars). 2 submissions from 2 submitters: Uncertain significance (1); Likely benign (1). Last evaluated 2023-03-23.

Conditions:
Hereditary cancer-predisposing syndrome. Also called: Hereditary neoplastic syndrome; Neoplastic Syndromes, Hereditary; Hereditary Cancer Syndrome; Tumor predisposition. Identifiers: Orphanet 140162, MedGen C0027672, MeSH D009386, MONDO:0015356.
Hereditary breast ovarian cancer syndrome. Also called: Hereditary breast and ovarian cancer; Hereditary breast and/or ovarian cancer syndrome; Hereditary breast and ovarian cancer syndrome; Hereditary breast and ovarian cancer syndrome (HBOC); Breast and ovarian cancer; BRCA1- and BRCA2-Associated Hereditary Breast and Ovarian Cancer. Identifiers: Orphanet 145, MedGen C0677776, MeSH D061325, MONDO:0003582. Disease mechanism: loss of function.

Submissions (2):

University of Washington Department of Laboratory Medicine, University of Washington
Classification: Likely benign for Hereditary cancer-predisposing syndrome. Last evaluated: 2023-03-23. Review status: criteria provided, single submitter. Criteria: Dines et al. (Genet Med. 2020). Collection method: curation. Allele origin: germline.
Comment: Missense variant in a coldspot region where missense variants are very unlikely to be pathogenic (PMID:31911673).

BRCA2 exon 11 coldspot. Reclassification based on statistical prior probability.

Labcorp Genetics (formerly Invitae), Labcorp
Classification: Uncertain significance for Hereditary breast ovarian cancer syndrome. Last evaluated: 2022-06-13. Review status: criteria provided, single submitter. Criteria: Invitae Variant Classification Sherloc (09022015). Collection method: clinical testing. Allele origin: germline.
Comment: In summary, the available evidence is currently insufficient to determine the role of this variant in disease. Therefore, it has been classified as a Variant of Uncertain Significance. Advanced modeling of protein sequence and biophysical properties (such as structural, functional, and spatial information, amino acid conservation, physicochemical variation, residue mobility, and thermodynamic stability) performed at Invitae indicates that this missense variant is not expected to disrupt BRCA2 protein function. ClinVar contains an entry for this variant (Variation ID: 966766). This variant has not been reported in the literature in individuals affected with BRCA2-related conditions. This variant is not present in population databases (gnomAD no frequency). This sequence change replaces tyrosine, which is neutral and polar, with phenylalanine, which is neutral and non-polar, at codon 989 of the BRCA2 protein (p.Tyr989Phe).